The following is an entry in ClinVar:

ClinVar aggregate classification (germline): Likely pathogenic (1 of 4 stars; one submission).

Allele frequency attached by ClinVar (database versions not stated): TOPMed below 0.00001; gnomAD 0.00001.
gnomAD v4.1: 9 of 1,574,014 alleles (0.00057%); highest among the groups gnomAD compares: African/African-American, 0.0014%; no homozygotes.

Submission:

Labcorp Genetics (formerly Invitae), Labcorp
Classification: Likely pathogenic. Last evaluated: 2023-03-24. Review status: criteria provided, single submitter. Criteria: Invitae Variant Classification Sherloc (09022015). Collection method: clinical testing. Allele origin: germline.
Comment: This sequence change affects a donor splice site in intron 1 of the DNAJC21 gene. It is expected to disrupt RNA splicing. Variants that disrupt the donor or acceptor splice site typically lead to a loss of protein function (PMID: 16199547), and loss-of-function variants in DNAJC21 are known to be pathogenic (PMID: 27346687, 28062395). This variant is not present in population databases (gnomAD no frequency). This variant has not been reported in the literature in individuals affected with DNAJC21-related conditions. Algorithms developed to predict the effect of sequence changes on RNA splicing suggest that this variant may disrupt the consensus splice site. In summary, the currently available evidence indicates that the variant is pathogenic, but additional data are needed to prove that conclusively. Therefore, this variant has been classified as Likely Pathogenic.

Literature cited by the submitters: PubMed 16199547; PubMed 27346687; PubMed 28062395.

NM_001012339.3(DNAJC21):c.97+1G>T

Genes: DNAJC21 (DnaJ heat shock protein family (Hsp40) member C21; plus strand), LOC129993792 (ATAC-STARR-seq lymphoblastoid silent region 15969; plus strand). Cytogenetic location: 5p13.2.
Variant type: single nucleotide variant.
Coding change: c.97+1G>T on transcript NM_001012339.3 (MANE Select); the canonical splice donor site of the intron after coding-DNA position 97, G replaced by T.
Molecular consequence: splice donor variant.
Genome position (GRCh38, 1-based): chr5:34,929,917, G>T. VCF-style: chr5-34929917-G-T. GRCh37 (hg19) VCF-style: chr5-34930022-G-T.
Other names: c.97+1G>T (NM_001348420.2, NM_194283.4).
Identifiers: ClinVar variation 2806396 (VCV002806396.3), dbSNP rs1764526690, ClinGen allele CA359410236.